The following is an entry in ClinVar:

NM_000292.3(PHKA2):c.392G>T (p.Gly131Val)

Gene: PHKA2 (phosphorylase kinase regulatory subunit alpha 2; minus strand). Cytogenetic location: Xp22.13.
Variant type: single nucleotide variant.
Coding change: c.392G>T on transcript NM_000292.3 (MANE Select); coding-DNA position 392, G replaced by T.
Protein change: p.Gly131Val; replaces glycine 131 with valine.
Molecular consequence: missense variant.
Genome position (GRCh38, 1-based): chrX:18,951,166, C>A on the plus strand (G>T on the coding strand, the complement: PHKA2 is on the minus strand). VCF-style: chrX-18951166-C-A. GRCh37 (hg19) VCF-style: chrX-18969284-C-A.
Other names: short protein forms G131V.
Identifiers: ClinVar variation 3724093 (VCV003724093.3).

ClinVar aggregate classification (germline): Uncertain significance. Review status: criteria provided, multiple submitters, no conflicts (2 of 4 stars). 2 submissions from 2 submitters: Uncertain significance (2). Last evaluated 2025-03-26.

Conditions:
Glycogen storage disease IXa1. Also called: Glycogen storage disease 8; LIVER GLYCOGENOSIS, X-LINKED, TYPE I; GLYCOGEN STORAGE DISEASE VIII; GSD VIII. Identifiers: Orphanet 264580, MedGen C3694531, MONDO:0010598, OMIM 306000.

gnomAD v4.1: 1 of 1,209,525 alleles (0.000083%); highest among the groups gnomAD compares: African/African-American, 0.0017%; no homozygotes.

Submissions (2):

Labcorp Genetics (formerly Invitae), Labcorp
Classification: Uncertain significance for Glycogen storage disease IXa1. Last evaluated: 2025-03-26. Review status: criteria provided, single submitter. Criteria: Invitae Variant Classification Sherloc (09022015). Collection method: clinical testing. Allele origin: germline.
Comment: This sequence change replaces glycine, which is neutral and non-polar, with valine, which is neutral and non-polar, at codon 131 of the PHKA2 protein (p.Gly131Val). This variant is present in population databases (no rsID available, gnomAD 0.02%). This missense change has been observed in individual(s) with glycogen storage disease (PMID: 33014498). Invitae Evidence Modeling of protein sequence and biophysical properties (such as structural, functional, and spatial information, amino acid conservation, physicochemical variation, residue mobility, and thermodynamic stability) indicates that this missense variant is expected to disrupt PHKA2 protein function with a positive predictive value of 80%. This variant disrupts the p.Gly131 amino acid residue in PHKA2. Other variant(s) that disrupt this residue have been observed in individuals with PHKA2-related conditions (PMID: 28627441), which suggests that this may be a clinically significant amino acid residue. In summary, the available evidence is currently insufficient to determine the role of this variant in disease. Therefore, it has been classified as a Variant of Uncertain Significance.

3billion
Classification: Uncertain significance for Glycogen storage disease IXa1. Last evaluated: 2024-07-30. Review status: criteria provided, single submitter. Criteria: ACMG Guidelines, 2015. Collection method: clinical testing. Allele origin: germline. Affected: yes.
Comment: The variant is observed at an extremely low frequency in the gnomAD v4.0.0 dataset (total allele frequency: <0.001%). Predicted Consequence/Location: Missense variant In silico tool predictions suggest damaging effect of the variant on gene or gene product [REVEL: 0.96 (>=0.6, sensitivity 0.68 and specificity 0.92); 3Cnet: 0.71 (>=0.6, sensitivity 0.72 and precision 0.9)]. The same nucleotide change resulting in the same amino acid change has been previously reported to be associated with PHKA2-related disorder (PMID: 21646031). A different missense change at the same codon (p.Gly131Asp) has been reported to be associated with PHKA2-related disorder (PMID: 21646031). However the evidence of pathogenicity is insufficient at this time. Therefore, this variant is classified as VUS according to the recommendation of ACMG/AMP guideline.

Literature cited by the submitters: PubMed 33014498 (cited by Labcorp Genetics (formerly Invitae), Labcorp); PubMed 28627441 (cited by Labcorp Genetics (formerly Invitae), Labcorp); PubMed 21646031 (cited by 3billion).